The following is an entry in ClinVar:

NM_058004.4(PI4KA):c.3757G>A (p.Ala1253Thr)

Gene: PI4KA (phosphatidylinositol 4-kinase alpha; minus strand). Cytogenetic location: 22q11.21.
Variant type: single nucleotide variant.
Coding change: c.3757G>A on transcript NM_058004.4 (MANE Select); coding-DNA position 3757, G replaced by A.
Protein change: p.Ala1253Thr; replaces alanine 1253 with threonine.
Molecular consequence: missense variant.
Genome position (GRCh38, 1-based): chr22:20,734,538, C>T on the plus strand (G>A on the coding strand, the complement: PI4KA is on the minus strand). VCF-style: chr22-20734538-C-T. GRCh37 (hg19) VCF-style: chr22-21088826-C-T.
Other names: c.3664G>A, p.Ala1222Thr (NM_001362862.2); c.3691G>A, p.Ala1231Thr (NM_001362863.2); short protein forms A1222T, A1231T, A1253T.
Identifiers: ClinVar variation 3242216 (VCV003242216.1), dbSNP rs775920955.

ClinVar aggregate classification (germline): Uncertain significance (1 of 4 stars; one submission).

Conditions:
Gastrointestinal defects and immunodeficiency syndrome 2 (GIDID2). Also called: MULTIPLE INTESTINAL ATRESIA WITH OR WITHOUT LEUKOPENIA. Identifiers: MedGen C5676901, MONDO:0030669, OMIM 619708.

Allele frequency attached by ClinVar (database versions not stated): gnomAD 0.00001.
gnomAD v4.1: 8 of 1,613,830 alleles (0.0005%); highest among the groups gnomAD compares: Middle Eastern, 0.016%; no homozygotes.

Submission:

Neuberg Centre For Genomic Medicine, NCGM
Classification: Uncertain significance for Gastrointestinal defects and immunodeficiency syndrome 2. Review status: criteria provided, single submitter. Criteria: ACMG Guidelines, 2015. Collection method: clinical testing. Allele origin: germline. Inheritance: Autosomal recessive inheritance. Affected: yes.
Comment: The observed missense variant c.3757G>A (p.Ala1253Thr) PI4KA gene has not been reported previously as a pathogenic variant nor as a benign variant, to our knowledge. The p.Ala1253Thr variant is present with an allele frequency of 0.0008% in the gnomAD exomes database. This variant has not been submitted to the ClinVar database. The amino acid change p.Ala1253Thr in PI4KA is predicted as conserved by GERP++ and PhyloP across 100 vertebrates. The amino acid Ala at position 1253 is changed to a Thr changing protein sequence and it might alter its composition and physico-chemical properties. For these reasons, this variant has been classified as a Variant of Uncertain Significance (VUS).